The following is an entry in ClinVar:

NM_015378.4(VPS13D):c.1651C>T (p.Arg551Trp)

Gene: VPS13D (vacuolar protein sorting 13 homolog D; plus strand). Cytogenetic location: 1p36.22.
Variant type: single nucleotide variant.
Coding change: c.1651C>T on transcript NM_015378.4 (MANE Select); coding-DNA position 1651, C replaced by T.
Protein change: p.Arg551Trp; replaces arginine 551 with tryptophan.
Molecular consequence: missense variant.
Genome position (GRCh38, 1-based): chr1:12,266,937, C>T. VCF-style: chr1-12266937-C-T. GRCh37 (hg19) VCF-style: chr1-12326994-C-T.
Other names: c.1651C>T, p.Arg551Trp (NM_018156.4); short protein forms R551W.
Identifiers: ClinVar variation 1953960 (VCV001953960.5), dbSNP rs779593607, ClinGen allele CA601585.
Genomic context (GRCh38, chr1:12,266,937, plus strand): 5'-ATAGATGTAAAACTTCTAGCAGAGTCTCTTCCTCGAAGAAATTCCTCGTTGCTTTCAGTC[C>T]GGTTGGGTGGACTGTTTCTTCGAGACCTGGCTACAGAAGGAACTATGTTTCCTCTTCTAG-3'
Protein context (NP_056193.2, residues 541-561): PRRNSSLLSV[Arg551Trp]LGGLFLRDLA

ClinVar aggregate classification (germline): Uncertain significance (1 of 4 stars; one submission).

gnomAD v4.1: 10 of 1,609,520 alleles (0.00062%); highest among the groups gnomAD compares: African/African-American, 0.0027%; no homozygotes.

Submission:

Labcorp Genetics (formerly Invitae), Labcorp
Classification: Uncertain significance. Last evaluated: 2022-02-08. Review status: criteria provided, single submitter. Criteria: Invitae Variant Classification Sherloc (09022015). Collection method: clinical testing. Allele origin: germline.
Comment: This sequence change replaces arginine, which is basic and polar, with tryptophan, which is neutral and slightly polar, at codon 551 of the VPS13D protein (p.Arg551Trp). The frequency data for this variant in the population databases is considered unreliable, as metrics indicate poor data quality at this position in the gnomAD database. This variant has not been reported in the literature in individuals affected with VPS13D-related conditions. Algorithms developed to predict the effect of missense changes on protein structure and function are either unavailable or do not agree on the potential impact of this missense change (SIFT: "Not Available"; PolyPhen-2: "Possibly Damaging"; Align-GVGD: "Not Available"). In summary, the available evidence is currently insufficient to determine the role of this variant in disease. Therefore, it has been classified as a Variant of Uncertain Significance.